The following is an entry in ClinVar:

NM_000626.4(CD79B):c.679G>A (p.Gly227Ser)

Genes: CD79B (CD79b molecule; minus strand), GH-LCR (growth hormone locus control region; plus strand). Cytogenetic location: 17q23.3.
Variant type: single nucleotide variant.
Coding change: c.679G>A on transcript NM_000626.4 (MANE Select); coding-DNA position 679, G replaced by A.
Protein change: p.Gly227Ser; replaces glycine 227 with serine.
Molecular consequence: missense variant.
Genome position (GRCh38, 1-based): chr17:63,929,237, C>T on the plus strand (G>A on the coding strand, the complement: CD79B is on the minus strand). VCF-style: chr17-63929237-C-T. GRCh37 (hg19) VCF-style: chr17-62006597-C-T.
Other names: c.682G>A, p.Gly228Ser (NM_001039933.3); c.370G>A, p.Gly124Ser (NM_001329050.2); c.367G>A, p.Gly123Ser (NM_021602.4); short protein forms G124S, G228S, G123S, G227S.
Identifiers: ClinVar variation 1407172 (VCV001407172.8), dbSNP rs2144755333, ClinGen allele CA400602993.

ClinVar aggregate classification (germline): Uncertain significance (1 of 4 stars; one submission).

Conditions:
Agammaglobulinemia 6, autosomal recessive (AGM6). Also called: AGAMMAGLOBULINEMIA, AUTOSOMAL RECESSIVE, DUE TO CD79B DEFECT; AGAMMAGLOBULINEMIA 6. Identifiers: MedGen C3150207, MONDO:0012987, OMIM 612692.

gnomAD v4.1: 2 of 1,612,290 alleles (0.00012%); highest among the groups gnomAD compares: Non-Finnish European, 0.00017%; no homozygotes.

Submission:

Labcorp Genetics (formerly Invitae), Labcorp
Classification: Uncertain significance for Agammaglobulinemia 6, autosomal recessive. Last evaluated: 2021-07-24. Review status: criteria provided, single submitter. Criteria: Invitae Variant Classification Sherloc (09022015). Collection method: clinical testing. Allele origin: germline.
Comment: In summary, the available evidence is currently insufficient to determine the role of this variant in disease. Therefore, it has been classified as a Variant of Uncertain Significance. Algorithms developed to predict the effect of missense changes on protein structure and function output the following: SIFT: "Not Available"; PolyPhen-2: "Possibly Damaging"; Align-GVGD: "Not Available". The serine amino acid residue is found in multiple mammalian species, which suggests that this missense change does not adversely affect protein function. This variant has not been reported in the literature in individuals affected with CD79B-related conditions. This variant is not present in population databases (ExAC no frequency). This sequence change replaces glycine with serine at codon 227 of the CD79B protein (p.Gly227Ser). The glycine residue is highly conserved and there is a small physicochemical difference between glycine and serine.